The following is an entry in ClinVar:

ClinVar aggregate classification (germline): Pathogenic (1 of 4 stars; one submission).

Conditions:
Hereditary cancer-predisposing syndrome. Also called: Neoplastic Syndromes, Hereditary; Tumor predisposition; Hereditary neoplastic syndrome; Hereditary Cancer Syndrome. Identifiers: Orphanet 140162, MedGen C0027672, MeSH D009386, MONDO:0015356.

Submission:

Color Diagnostics, LLC DBA Color Health
Classification: Pathogenic for Hereditary cancer-predisposing syndrome. Last evaluated: 2021-07-02. Review status: criteria provided, single submitter. Criteria: ACMG Guidelines, 2015. Collection method: clinical testing. Allele origin: germline.
Comment: This variant deletes 1 nucleotide in exon 13 of the BAP1 gene, creating a frameshift and premature translation stop signal. This variant is expected to result in an absent or non-functional protein product. To our knowledge, this variant has not been reported in individuals affected with hereditary cancer in the literature. This variant has not been identified in the general population by the Genome Aggregation Database (gnomAD). Loss of BAP1 function is a known mechanism of disease. Based on the available evidence, this variant is classified as Pathogenic.

NM_004656.4(BAP1):c.1381del (p.Ile461fs)

Gene: BAP1 (BRCA1 associated deubiquitinase 1; minus strand). Cytogenetic location: 3p21.1.
Variant type: Deletion.
Coding change: c.1381del on transcript NM_004656.4 (MANE Select); coding-DNA position 1381, one base deleted (A; older notation c.1381delA).
Protein change: p.Ile461fs; shifts the reading frame from isoleucine 461.
Molecular consequence: frameshift variant.
Genome position (GRCh38, 1-based): chr3:52,403,764, T deleted on the plus strand (A on the coding strand, the reverse complement: BAP1 is on the minus strand); the first of 2 consecutive T bases (chr3:52,403,764-52,403,765); deleting either gives the same sequence. VCF-style (leftmost placement, unchanged base first): chr3-52403763-AT-A. GRCh37 (hg19) VCF-style: chr3-52437779-AT-A.
Other names: short protein forms I461fs.
Identifiers: ClinVar variation 628351 (VCV000628351.4), dbSNP rs1559586965, ClinGen allele CA913188148.